The following is an entry in ClinVar:

NM_001367624.2(ZNF469):c.8095G>T (p.Gly2699Ter)

Gene: ZNF469 (zinc finger protein 469; plus strand). Cytogenetic location: 16q24.2.
Variant type: single nucleotide variant.
Coding change: c.8095G>T on transcript NM_001367624.2 (MANE Select); coding-DNA position 8095, G replaced by T.
Protein change: p.Gly2699Ter; replaces glycine 2699 with a stop codon.
Molecular consequence: nonsense.
Genome position (GRCh38, 1-based): chr16:88,435,565, G>T. VCF-style: chr16-88435565-G-T. GRCh37 (hg19) VCF-style: chr16-88501973-G-T.
Other names: short protein forms G2699*.
Identifiers: ClinVar variation 4728517 (VCV004728517.1).
Genomic context (GRCh38, chr16:88,435,565, plus strand): 5'-CTCTCTGTGGAAGGAGGGCCTGAGGCTGACGGGGAGCAGCCGCCTCGCTTGGCCACTCTG[G>T]GACCTGGGGTGATGGAGGGTGCAGCGGAGACTGACCAGGAGGCTCTGTGTGCAGGGGAGA-3'

ClinVar aggregate classification (germline): Pathogenic (1 of 4 stars; one submission).

Submission:

Labcorp Genetics (formerly Invitae), Labcorp
Classification: Pathogenic. Last evaluated: 2025-10-05. Review status: criteria provided, single submitter. Criteria: Invitae Variant Classification Sherloc (09022015). Collection method: clinical testing. Allele origin: germline.
Comment: This sequence change creates a premature translational stop signal (p.Gly2671*) in the ZNF469 gene. While this is not anticipated to result in nonsense mediated decay, it is expected to disrupt the last 1255 amino acid(s) of the ZNF469 protein. This variant is not present in population databases (gnomAD no frequency). This variant has not been reported in the literature in individuals affected with ZNF469-related conditions. This variant disrupts a region of the ZNF469 protein in which other variant(s) (p.Glu3553*) have been determined to be pathogenic (internal data). This suggests that this is a clinically significant region of the protein, and that variants that disrupt it are likely to be disease-causing. For these reasons, this variant has been classified as Pathogenic.